The following is an entry in ClinVar:

ClinVar aggregate classification (germline): Uncertain significance (1 of 4 stars; one submission).

gnomAD v4.1: 2 of 1,614,126 alleles (0.00012%); highest among the groups gnomAD compares: Non-Finnish European, 0.00017%; no homozygotes.

Submission:

Greenwood Genetic Center Diagnostic Laboratories, Greenwood Genetic Center
Classification: Uncertain significance. Last evaluated: 2023-05-17. Review status: criteria provided, single submitter. Criteria: ACMG Guidelines, 2015. Collection method: clinical testing. Allele origin: germline. Affected: yes.
Comment: Gene of Uncertain Significance for missense changes

NM_005321.3(H1-4):c.152C>T (p.Ser51Phe)

Gene: H1-4 (H1.4 linker histone, cluster member; plus strand). Cytogenetic location: 6p22.2.
Variant type: single nucleotide variant.
Coding change: c.152C>T on transcript NM_005321.3 (MANE Select); coding-DNA position 152, C replaced by T.
Protein change: p.Ser51Phe; replaces serine 51 with phenylalanine.
Molecular consequence: missense variant.
Genome position (GRCh38, 1-based): chr6:26,156,542, C>T. VCF-style: chr6-26156542-C-T. GRCh37 (hg19) VCF-style: chr6-26156770-C-T.
Other names: short protein forms S51F.
Identifiers: ClinVar variation 2572223 (VCV002572223.1), dbSNP rs1764175922, ClinGen allele CA363201406.